The following is an entry in ClinVar:

NM_002878.4(RAD51D):c.811G>T (p.Val271Leu)

Genes: RAD51D (RAD51 paralog D; minus strand), RAD51L3-RFFL (RAD51L3-RFFL readthrough; minus strand). Cytogenetic location: 17q12.
Variant type: single nucleotide variant.
Coding change: c.811G>T on transcript NM_002878.4 (MANE Select); coding-DNA position 811, G replaced by T.
Protein change: p.Val271Leu; replaces valine 271 with leucine.
Molecular consequence: missense variant. On other transcripts: non-coding transcript variant (3).
Genome position (GRCh38, 1-based): chr17:35,101,293, C>A on the plus strand (G>T on the coding strand, the complement: RAD51D is on the minus strand). VCF-style: chr17-35101293-C-A. GRCh37 (hg19) VCF-style: chr17-33428312-C-A.
Other names: c.871G>T, p.Val291Leu (NM_001142571.2); c.475G>T, p.Val159Leu (NM_133629.3); short protein forms V291L, V271L, V159L.
Identifiers: ClinVar variation 928307 (VCV000928307.4), dbSNP rs758570839, ClinGen allele CA399086786.
Genomic context (GRCh38, chr17:35,101,293, plus strand): 5'-GCCGGCCGCCTGATGCTCCTGCTCCCTCGATGGTGTCCAGGAGAATCCGAGTGCTGGGCA[C>A]AAAGCTCCAGGAGCGTCCGAGGGCAGGTTTGAGCCTCCCGCTGTCCCTGTCTCGAGTTAT-3'
Protein context (NP_002869.3, residues 261-281): KPALGRSWSF[Val271Leu]PSTRILLDTI

ClinVar aggregate classification (germline): Uncertain significance (1 of 4 stars; one submission).

Conditions:
Hereditary cancer-predisposing syndrome. Also called: Neoplastic Syndromes, Hereditary; Hereditary Cancer Syndrome; Tumor predisposition; Hereditary neoplastic syndrome. Identifiers: Orphanet 140162, MedGen C0027672, MeSH D009386, MONDO:0015356.

Submission:

Color Diagnostics, LLC DBA Color Health
Classification: Uncertain significance for Hereditary cancer-predisposing syndrome. Last evaluated: 2023-12-05. Review status: criteria provided, single submitter. Criteria: ACMG Guidelines, 2015. Collection method: clinical testing. Allele origin: germline.
Comment: This missense variant replaces valine with leucine at codon 271 of the RAD51D protein. Computational prediction suggests that this variant may not impact protein structure and function (internally defined REVEL score threshold <= 0.5, PMID: 27666373). To our knowledge, functional studies have not been reported for this variant. This variant has not been reported in individuals affected with RAD51D-related disorders in the literature. This variant has not been identified in the general population by the Genome Aggregation Database (gnomAD). The available evidence is insufficient to determine the role of this variant in disease conclusively. Therefore, this variant is classified as a Variant of Uncertain Significance.